The following is an entry in ClinVar:

NM_001291867.2(NHS):c.4073G>C (p.Ser1358Thr)

Gene: NHS (NHS actin remodeling regulator; plus strand). Cytogenetic location: Xp22.13.
Variant type: single nucleotide variant.
Coding change: c.4073G>C on transcript NM_001291867.2 (MANE Select); coding-DNA position 4073, G replaced by C.
Protein change: p.Ser1358Thr; replaces serine 1358 with threonine.
Molecular consequence: missense variant.
Genome position (GRCh38, 1-based): chrX:17,728,179, G>C. VCF-style: chrX-17728179-G-C. GRCh37 (hg19) VCF-style: chrX-17746299-G-C.
Other names: c.3542G>C, p.Ser1181Thr (NM_001136024.4); c.3479G>C, p.Ser1160Thr (NM_001291868.2); c.4010G>C, p.Ser1337Thr (NM_198270.4); short protein forms S1358T, S1160T, S1181T, S1337T.
Identifiers: ClinVar variation 2315416 (VCV002315416.4), dbSNP rs773157182, ClinGen allele CA10358879.
Genomic context (GRCh38, chrX:17,728,179, plus strand): 5'-ATCAATTTAAGCATCAATTTGTTATGAGCCGCCACCATGACAAAGTGCCTGGTACTATCA[G>C]CTATGAATCGGAGATAACATCTGTAAATTCATTCCCTGAAAAATGTTCCAAGCAGGAAAA-3'
Protein context (NP_001278796.1, residues 1348-1368): RHHDKVPGTI[Ser1358Thr]YESEITSVNS

ClinVar aggregate classification (germline): Uncertain significance. Review status: criteria provided, multiple submitters, no conflicts (2 of 4 stars). 2 submissions from 2 submitters: Uncertain significance (2). Last evaluated 2024-06-17.

Conditions:
Inborn genetic diseases. Identifiers: MedGen C0950123, MeSH D030342.
Nance-Horan syndrome (NHS). Identifiers: Orphanet 627, MedGen C0796085, MONDO:0010545, OMIM 302350.

Allele frequency attached by ClinVar (database versions not stated): TOPMed below 0.00001; ExAC 0.00001.

Submissions (2):

Labcorp Genetics (formerly Invitae), Labcorp
Classification: Uncertain significance for Nance-Horan syndrome. Last evaluated: 2024-06-17. Review status: criteria provided, single submitter. Criteria: Invitae Variant Classification Sherloc (09022015). Collection method: clinical testing. Allele origin: germline.
Comment: This sequence change replaces serine, which is neutral and polar, with threonine, which is neutral and polar, at codon 1337 of the NHS protein (p.Ser1337Thr). This variant is not present in population databases (gnomAD no frequency). This variant has not been reported in the literature in individuals affected with NHS-related conditions. ClinVar contains an entry for this variant (Variation ID: 2315416). Advanced modeling of protein sequence and biophysical properties (such as structural, functional, and spatial information, amino acid conservation, physicochemical variation, residue mobility, and thermodynamic stability) performed at Invitae indicates that this missense variant is not expected to disrupt NHS protein function with a negative predictive value of 80%. In summary, the available evidence is currently insufficient to determine the role of this variant in disease. Therefore, it has been classified as a Variant of Uncertain Significance.

Ambry Genetics
Classification: Uncertain significance for Inborn genetic diseases. Last evaluated: 2022-10-03. Review status: criteria provided, single submitter. Criteria: Ambry Variant Classification Scheme 2023. Collection method: clinical testing. Allele origin: germline.